The following is an entry in ClinVar:

NM_000153.4(GALC):c.1276T>G (p.Trp426Gly)

Gene: GALC (galactosylceramidase; minus strand). Cytogenetic location: 14q31.3.
Variant type: single nucleotide variant.
Coding change: c.1276T>G on transcript NM_000153.4 (MANE Select); coding-DNA position 1276, T replaced by G.
Protein change: p.Trp426Gly; replaces tryptophan 426 with glycine.
Molecular consequence: missense variant.
Genome position (GRCh38, 1-based): chr14:87,949,907, A>C on the plus strand (T>G on the coding strand, the complement: GALC is on the minus strand). VCF-style: chr14-87949907-A-C. GRCh37 (hg19) VCF-style: chr14-88416251-A-C.
Other names: c.1207T>G, p.Trp403Gly (NM_001201401.2); c.1198T>G, p.Trp400Gly (NM_001201402.2); short protein forms W426G, W400G, W403G.
Identifiers: ClinVar variation 1482556 (VCV001482556.6), dbSNP rs2139961618, ClinGen allele CA390746833.
Genomic context (GRCh38, chr14:87,949,907, plus strand): 5'-ATAGAGAATCCAGCTGCTTAAAAAGAAATCTTTCGGATGTTTTTCCAAGTTTGGTATACC[A>C]TACCTGTAGCTCTGGTATTTCACTCTGTAAAGAAAAGACAAAAAAGCATGGCTGAGTAAT-3'
Protein context (NP_000144.2, residues 416-436): SFSEIPELQV[Trp426Gly]YTKLGKTSER

ClinVar aggregate classification (germline): Likely pathogenic (1 of 4 stars; one submission).

Conditions:
Galactosylceramide beta-galactosidase deficiency. Also called: Krabbe Disease; Leukodystrophy, Globoid Cell; GALACTOCEREBROSIDASE DEFICIENCY; GALC DEFICIENCY; GLOBOID CELL LEUKOENCEPHALOPATHY. Identifiers: Orphanet 487, MedGen C0023521, MONDO:0009499, OMIM 245200.

Submission:

Labcorp Genetics (formerly Invitae), Labcorp
Classification: Likely pathogenic for Galactosylceramide beta-galactosidase deficiency. Last evaluated: 2021-09-21. Review status: criteria provided, single submitter. Criteria: Invitae Variant Classification Sherloc (09022015). Collection method: clinical testing. Allele origin: germline.
Comment: This missense change has been observed in individual(s) with Krabbe disease (PMID: 10234611). This variant is also known as W410G. Advanced modeling of protein sequence and biophysical properties (such as structural, functional, and spatial information, amino acid conservation, physicochemical variation, residue mobility, and thermodynamic stability) performed at Invitae indicates that this missense variant is expected to disrupt GALC protein function. Experimental studies have shown that this missense change affects GALC function (PMID: 10234611, 27638593). In summary, the currently available evidence indicates that the variant is pathogenic, but additional data are needed to prove that conclusively. Therefore, this variant has been classified as Likely Pathogenic. This variant is not present in population databases (ExAC no frequency). This sequence change replaces tryptophan with glycine at codon 426 of the GALC protein (p.Trp426Gly). The tryptophan residue is highly conserved and there is a large physicochemical difference between tryptophan and glycine.

Literature cited by the submitters: PubMed 10234611; PubMed 27638593.